The following is an entry in ClinVar:

ClinVar aggregate classification (germline): Uncertain significance. Review status: criteria provided, multiple submitters, no conflicts (2 of 4 stars). 2 submissions from 2 submitters: Uncertain significance (2). Last evaluated 2025-01-04.

Conditions:
Familial thoracic aortic aneurysm and aortic dissection (TAAD). Also called: Thoracic aortic aneurysms and dissections. Identifiers: Orphanet 91387, MedGen C4707243, MONDO:0019625.

gnomAD v4.1: 20 of 1,613,900 alleles (0.0012%); highest among the groups gnomAD compares: Admixed American, 0.0033%; no homozygotes.

Submissions (2):

Ambry Genetics
Classification: Uncertain significance for Familial thoracic aortic aneurysm and aortic dissection. Last evaluated: 2025-01-04. Review status: criteria provided, single submitter. Criteria: Ambry Variant Classification Scheme 2023. Collection method: clinical testing. Allele origin: germline.
Comment: The p.R136C variant (also known as c.406C>T), located in coding exon 4 of the PLOD1 gene, results from a C to T substitution at nucleotide position 406. The arginine at codon 136 is replaced by cysteine, an amino acid with highly dissimilar properties. This amino acid position is conserved. In addition, the in silico prediction for this alteration is inconclusive. Based on the available evidence, the clinical significance of this variant remains unclear.

GeneDx
Classification: Uncertain significance. Last evaluated: 2024-10-21. Review status: criteria provided, single submitter. Criteria: GeneDx Variant Classification Process June 2021. Collection method: clinical testing. Allele origin: germline. Affected: yes.
Comment: Not observed at significant frequency in large population cohorts (gnomAD); In silico analysis supports that this missense variant has a deleterious effect on protein structure/function; Has not been previously published as pathogenic or benign to our knowledge

NM_000302.4(PLOD1):c.406C>T (p.Arg136Cys)

Gene: PLOD1 (procollagen-lysine,2-oxoglutarate 5-dioxygenase 1; plus strand). Cytogenetic location: 1p36.22.
Variant type: single nucleotide variant.
Coding change: c.406C>T on transcript NM_000302.4 (MANE Select); coding-DNA position 406, C replaced by T.
Protein change: p.Arg136Cys; replaces arginine 136 with cysteine.
Molecular consequence: missense variant.
Genome position (GRCh38, 1-based): chr1:11,950,460, C>T. VCF-style: chr1-11950460-C-T. GRCh37 (hg19) VCF-style: chr1-12010517-C-T.
Other names: c.547C>T, p.Arg183Cys (NM_001316320.2); short protein forms R136C, R183C.
Identifiers: ClinVar variation 3781294 (VCV003781294.1).